The following is an entry in ClinVar:

NM_000719.7(CACNA1C):c.1693G>A (p.Ala565Thr)

Gene: CACNA1C (calcium voltage-gated channel subunit alpha1 C; plus strand). Cytogenetic location: 12p13.33.
Variant type: single nucleotide variant.
Coding change: c.1693G>A on transcript NM_000719.7 (MANE Select); coding-DNA position 1693, G replaced by A.
Protein change: p.Ala565Thr; replaces alanine 565 with threonine.
Molecular consequence: missense variant.
Genome position (GRCh38, 1-based): chr12:2,567,592, G>A. VCF-style: chr12-2567592-G-A. GRCh37 (hg19) VCF-style: chr12-2676758-G-A.
Other names: p.A565T:GCC>ACC; c.1693G>A, p.Ala565Thr (NM_001129827.2, NM_001129829.2, NM_001129830.3 and 18 more transcripts); c.1684G>A, p.Ala562Thr (NM_001129844.2); short protein forms A565T, A562T.
Identifiers: ClinVar variation 190643 (VCV000190643.14), dbSNP rs777945001, ClinGen allele CA301316.
Genomic context (GRCh38, chr12:2,567,592, plus strand): 5'-CCCTGCTCGGATCTCATCCCTCTCCTGGGCCTGCCAGACACGGCAAACAAGGCCCTGCTG[G>A]CCCTGTTCACGGCAGAGATGCTCCTGAAGATGTACAGCCTGGGCCTGCAGGCCTACTTCG-3'
Protein context (NP_000710.5, residues 555-575): VQDTANKALL[Ala565Thr]LFTAEMLLKM

ClinVar aggregate classification (germline): Conflicting classifications of pathogenicity. Review status: criteria provided, conflicting classifications (1 of 4 stars). 4 submissions from 4 submitters: Uncertain significance (1); Likely benign (3). Last evaluated 2026-01-08.

Conditions:
Long QT syndrome (LQTS). Identifiers: MedGen C0023976, MeSH D008133, MONDO:0002442. Disease mechanism: loss of function. Inheritance: Various modes of inheritance.
Cardiovascular phenotype. Identifiers: MedGen CN230736.

Allele frequency attached by ClinVar (database versions not stated): gnomAD 0.00001; gnomAD exomes 0.00002 and 0.00003; ExAC 0.00011.
gnomAD v4.1: 29 of 1,596,520 alleles (0.0018%); highest among the groups gnomAD compares: South Asian, 0.032%; no homozygotes.

Submissions (4):

Labcorp Genetics (formerly Invitae), Labcorp
Classification: Likely benign for Long QT syndrome. Last evaluated: 2026-01-08. Review status: criteria provided, single submitter. Criteria: Invitae Variant Classification Sherloc (09022015). Collection method: clinical testing. Allele origin: germline.

Women's Health and Genetics/Laboratory Corporation of America, LabCorp
Classification: Likely benign. Last evaluated: 2024-11-26. Review status: criteria provided, single submitter. Criteria: LabCorp Variant Classification Summary - May 2015. Collection method: clinical testing. Allele origin: germline.
Comment: Variant summary: CACNA1C c.1693G>A (p.Ala565Thr) results in a non-conservative amino acid change located in the Ion transport domain (IPR005821) of the encoded protein sequence. Three of five in-silico tools predict a damaging effect of the variant on protein function. The variant allele was found at a frequency of 1.8e-05 in 1596520 control chromosomes. The observed variant frequency is approximately 2-fold of the estimated maximal expected allele frequency for a pathogenic variant in CACNA1C causing Timothy Syndrome phenotype (1e-05). To our knowledge, no occurrence of c.1693G>A in individuals affected with Timothy Syndrome and no experimental evidence demonstrating its impact on protein function have been reported. ClinVar contains an entry for this variant (Variation ID: 190643). Based on the evidence outlined above, the variant was classified as likely benign.

Ambry Genetics
Classification: Likely benign for Cardiovascular phenotype. Last evaluated: 2024-04-09. Review status: criteria provided, single submitter. Criteria: Ambry Variant Classification Scheme 2023. Collection method: clinical testing. Allele origin: germline.

GeneDx
Classification: Uncertain significance. Last evaluated: 2023-05-31. Review status: criteria provided, single submitter. Criteria: GeneDx Variant Classification Process June 2021. Collection method: clinical testing. Allele origin: germline. Affected: yes.
Comment: Has not been previously published as pathogenic or benign in association with a CACNA1C-related disorder to our knowledge; In silico analysis supports that this missense variant has a deleterious effect on protein structure/function; This variant is associated with the following publications: (PMID: 34436362)